The following is an entry in ClinVar:

NM_000179.3(MSH6):c.457+1G>A

Gene: MSH6 (mutS homolog 6; plus strand). Cytogenetic location: 2p16.3.
Variant type: single nucleotide variant.
Coding change: c.457+1G>A on transcript NM_000179.3 (MANE Select); the canonical splice donor site of the intron after coding-DNA position 457, G replaced by A.
Molecular consequence: splice donor variant. On other transcripts: missense variant (1), intron variant (6).
Genome position (GRCh38, 1-based): chr2:47,791,124, G>A. VCF-style: chr2-47791124-G-A. GRCh37 (hg19) VCF-style: chr2-48018263-G-A.
Other names: c.458G>A, p.Gly153Asp (NM_001406813.1); c.457+1G>A (NM_001406809.1, NM_001406796.1, NM_001406808.1 and 5 more transcripts); c.-280+1G>A (NM_001406811.1, NM_001281493.2, NM_001406829.1 and 1 more transcripts); c.160+1G>A (NM_001406805.1, NM_001406797.1, NM_001406801.1 and 10 more transcripts); c.553+1G>A (NM_001406795.1, NM_001406802.1); c.-472+1G>A (NM_001406807.1); c.-538+1G>A (NM_001406814.1); c.-280+154G>A (NM_001406812.1); and 6 more; short protein forms G153D.
Identifiers: ClinVar variation 2574105 (VCV002574105.2), dbSNP rs2104112957, ClinGen allele CA346737214.

ClinVar aggregate classification (germline): Likely pathogenic. Review status: criteria provided, single submitter (1 of 4 stars). 2 submissions from 2 submitters: Likely pathogenic (1). 1 of the submissions does not count toward it. Last evaluated 2023-08-10.

Conditions:
Lynch syndrome 5 (LYNCH5). Also called: Colorectal cancer, hereditary nonpolyposis, type 5; Hereditary non-polyposis colorectal cancer, type 5. Identifiers: Orphanet 144, MedGen C1833477, MONDO:0013710, OMIM 614350. Disease mechanism: loss of function.

Submissions (2):

Myriad Genetics, Inc.
Classification: Likely pathogenic for Lynch syndrome 5. Last evaluated: 2023-08-10. Review status: criteria provided, single submitter. Criteria: Myriad Autosomal Dominant, Autosomal Recessive and X-Linked Classification Criteria (2023). Collection method: clinical testing. Allele origin: unknown.
Comment: This variant is considered likely pathogenic. This variant occurs within a consensus splice junction and is predicted to result in abnormal mRNA splicing of either an out-of-frame exon or an in-frame exon necessary for protein stability and/or normal function.

deCODE genetics, Amgen
Classification: Likely pathogenic for Lynch syndrome 5. Last evaluated: 2023-07-21. Review status: no assertion criteria provided. Collection method: research. Allele origin: germline. Affected: yes. Observed: 1 variant allele. Not counted in ClinVar's aggregate classification.
Comment: The variant NM_000179.3:c.457+1G>A (chr2:47791124) in MSH6 was detected in 1 heterozygote out of 58K WGS Icelanders (MAF= 0,001%). This variant has not been reported in ClinVar previously. Based on ACMG criteria (PVS1, PM2) this variant classifies as likely pathogenic.